The following is an entry in ClinVar:

ClinVar aggregate classification (germline): Uncertain significance (1 of 4 stars; one submission).

gnomAD v4.1: 2 of 1,605,868 alleles (0.00012%); highest among the groups gnomAD compares: African/African-American, 0.0013%; no homozygotes.

Submission:

Greenwood Genetic Center Diagnostic Laboratories, Greenwood Genetic Center
Classification: Uncertain significance. Last evaluated: 2024-07-09. Review status: criteria provided, single submitter. Criteria: ACMG Guidelines, 2015. Collection method: clinical testing. Allele origin: germline. Affected: yes.
Comment: BP4

NM_130797.4(DPP6):c.1741C>T (p.His581Tyr)

Gene: DPP6 (dipeptidyl peptidase like 6; plus strand). Cytogenetic location: 7q36.2.
Variant type: single nucleotide variant.
Coding change: c.1741C>T on transcript NM_130797.4 (MANE Select); coding-DNA position 1741, C replaced by T.
Protein change: p.His581Tyr; replaces histidine 581 with tyrosine.
Molecular consequence: missense variant. On other transcripts: non-coding transcript variant (2).
Genome position (GRCh38, 1-based): chr7:154,868,021, C>T. VCF-style: chr7-154868021-C-T. GRCh37 (hg19) VCF-style: chr7-154659731-C-T.
Other names: c.1549C>T, p.His517Tyr (NM_001039350.3); c.1420C>T, p.His474Tyr (NM_001290252.2); c.1558C>T, p.His520Tyr (NM_001364497.2, NM_001364498.2, NM_001364499.2 and 1 more transcripts); c.1555C>T, p.His519Tyr (NM_001936.5); short protein forms H474Y, H517Y, H519Y, H520Y, H581Y.
Identifiers: ClinVar variation 3765677 (VCV003765677.1).